The following is an entry in ClinVar:

ClinVar aggregate classification (germline): Uncertain significance. Review status: criteria provided, multiple submitters, no conflicts (2 of 4 stars). 2 submissions from 2 submitters: Uncertain significance (2). Last evaluated 2025-08-22.

Allele frequency attached by ClinVar (database versions not stated): 1000 Genomes Project 0.00040; 1000 Genomes Project 30x 0.00047; ExAC 0.00002; gnomAD 0.00009; TOPMed 0.00014; gnomAD exomes 0.00001.
gnomAD v4.1: 30 of 1,614,016 alleles (0.0019%); highest among the groups gnomAD compares: African/African-American, 0.033%; no homozygotes.

Submissions (2):

Ambry Genetics
Classification: Uncertain significance. Last evaluated: 2025-08-22. Review status: criteria provided, single submitter. Criteria: Ambry Variant Classification Scheme 2023. Collection method: clinical testing. Allele origin: germline.

Labcorp Genetics (formerly Invitae), Labcorp
Classification: Uncertain significance. Last evaluated: 2025-08-17. Review status: criteria provided, single submitter. Criteria: Invitae Variant Classification Sherloc (09022015). Collection method: clinical testing. Allele origin: germline.
Comment: This sequence change replaces tyrosine, which is neutral and polar, with histidine, which is basic and polar, at codon 572 of the ANKZF1 protein (p.Tyr572His). This variant is present in population databases (rs80347238, gnomAD 0.04%). This variant has not been reported in the literature in individuals affected with ANKZF1-related conditions. ClinVar contains an entry for this variant (Variation ID: 2721008). An algorithm developed to predict the effect of missense changes on protein structure and function (PolyPhen-2) suggests that this variant is likely to be disruptive. In summary, the available evidence is currently insufficient to determine the role of this variant in disease. Therefore, it has been classified as a Variant of Uncertain Significance.

NM_018089.3(ANKZF1):c.1714T>C (p.Tyr572His)

Gene: ANKZF1 (ankyrin repeat and zinc finger peptidyl tRNA hydrolase 1; plus strand). Cytogenetic location: 2q35.
Variant type: single nucleotide variant.
Coding change: c.1714T>C on transcript NM_018089.3 (MANE Select); coding-DNA position 1714, T replaced by C.
Protein change: p.Tyr572His; replaces tyrosine 572 with histidine.
Molecular consequence: missense variant.
Genome position (GRCh38, 1-based): chr2:219,235,496, T>C. VCF-style: chr2-219235496-T-C. GRCh37 (hg19) VCF-style: chr2-220100218-T-C.
Other names: c.1714T>C, p.Tyr572His (NM_001042410.2); c.1084T>C, p.Tyr362His (NM_001282792.2); c.1714T>C (NM_018089.2); short protein forms Y572H, Y362H.
Identifiers: ClinVar variation 2721008 (VCV002721008.4), dbSNP rs80347238, ClinGen allele CA2121148.
Genomic context (GRCh38, chr2:219,235,496, plus strand): 5'-AGGCAAGTTAAACCCATTTTTGGAGTTTTTGCACCTAGGGACTCTCGGGCCCGGCCACCT[T>C]ATACTGTTGCGGCTGACAAATCAACACGTAATGAGTTCCGAAGGTTCATGGAGAAGAATC-3'
Protein context (NP_060559.2, residues 562-582): TVQDSRARPP[Tyr572His]TVAADKSTRN